The following is an entry in ClinVar:

ClinVar aggregate classification (germline): Likely pathogenic (1 of 4 stars; one submission).

Conditions:
Autosomal recessive nonsyndromic hearing loss 2. Also called: NEUROSENSORY NONSYNDROMIC RECESSIVE DEAFNESS 2; DEAFNESS, AUTOSOMAL RECESSIVE 2. Identifiers: Orphanet 90636, MedGen C1838701, MONDO:0010807, OMIM 600060.

Submission:

Institute of Rare Diseases, West China Hospital, Sichuan University
Classification: Likely pathogenic for Autosomal recessive nonsyndromic hearing loss 2. Last evaluated: 2025-01-09. Review status: criteria provided, single submitter. Criteria: ClinGen HL ACMG Specifications v1. Collection method: research. Allele origin: germline. Affected: yes.
Comment: PM3;PM5;PP1;PM2_Supporting;PP3

NM_000260.4(MYO7A):c.1117C>G (p.Arg373Gly)

Gene: MYO7A (myosin VIIA; plus strand). Cytogenetic location: 11q13.5.
Variant type: single nucleotide variant.
Coding change: c.1117C>G on transcript NM_000260.4 (MANE Select); coding-DNA position 1117, C replaced by G.
Protein change: p.Arg373Gly; replaces arginine 373 with glycine.
Molecular consequence: missense variant.
Genome position (GRCh38, 1-based): chr11:77,160,199, C>G. VCF-style: chr11-77160199-C-G. GRCh37 (hg19) VCF-style: chr11-76871245-C-G.
Other names: c.1117C>G, p.Arg373Gly (NM_001127180.2); c.1084C>G, p.Arg362Gly (NM_001369365.1); short protein forms R362G, R373G.
Identifiers: ClinVar variation 3601447 (VCV003601447.1).